The following is an entry in ClinVar:

NM_000289.6(PFKM):c.427+52G>A

Gene: PFKM (phosphofructokinase, muscle; plus strand). Cytogenetic location: 12q13.11.
Variant type: single nucleotide variant.
Coding change: c.427+52G>A on transcript NM_000289.6 (MANE Select); 52 bases into the intron after coding-DNA position 427, G replaced by A.
Molecular consequence: intron variant.
Genome position (GRCh38, 1-based): chr12:48,133,109, G>A. VCF-style: chr12-48133109-G-A. GRCh37 (hg19) VCF-style: chr12-48526892-G-A.
Other names: c.451+52G>A (NM_001354741.2); c.427+52G>A (NM_001354742.2, NM_001354743.2, NM_001354744.2 and 4 more transcripts); c.277+52G>A (NM_001354747.2, NM_001354748.2); c.640+52G>A (NM_001166686.2, NM_001354737.1, NM_001354739.1 and 1 more transcripts); c.736+52G>A (NM_001354736.1, NM_001354735.1); c.571+52G>A (NM_001354740.1); c.340+52G>A (NM_001354745.2).
Identifiers: ClinVar variation 676322 (VCV000676322.4), dbSNP rs41291961, ClinGen allele CA6536992.

ClinVar aggregate classification (germline): Benign. Review status: criteria provided, multiple submitters, no conflicts (2 of 4 stars). 3 submissions from 3 submitters: Benign (3). Last evaluated 2021-07-01.

Conditions:
Glycogen storage disease, type VII (GSD7). Also called: GSD VII; MUSCLE PHOSPHOFRUCTOKINASE DEFICIENCY; PFKM DEFICIENCY; TARUI DISEASE. Identifiers: Orphanet 371, MedGen C0017926, MONDO:0009295, OMIM 232800.

Allele frequency attached by ClinVar (database versions not stated): 1000 Genomes Project 0.02736; 1000 Genomes Project 30x 0.02811; TOPMed 0.05336; gnomAD exomes 0.05723; ExAC 0.05795; gnomAD 0.06029 and 0.06210; ESP Exome Variant Server 0.06491.
gnomAD v4.1: 119,321 of 1,517,228 alleles (7.9%); highest among the groups gnomAD compares: Non-Finnish European, 9.6%; 5,609 homozygotes.

Submissions (3):

Pars Genome Lab
Classification: Benign for Glycogen storage disease, type VII. Last evaluated: 2021-07-01. Review status: criteria provided, single submitter. Criteria: ACMG Guidelines, 2015. Collection method: clinical testing. Allele origin: germline. Affected: no.

GeneDx
Classification: Benign. Last evaluated: 2018-06-19. Review status: criteria provided, single submitter. Criteria: GeneDx Variant Classification (06012015). Collection method: clinical testing. Allele origin: germline. Affected: yes.
Comment: This variant is considered likely benign or benign based on one or more of the following criteria: it is a conservative change, it occurs at a poorly conserved position in the protein, it is predicted to be benign by multiple in silico algorithms, and/or has population frequency not consistent with disease.

Breakthrough Genomics
Classification: Benign. Review status: criteria provided, single submitter. Criteria: ACMG Guidelines, 2015. Collection method: not provided. Allele origin: germline. Inheritance: Autosomal recessive inheritance. Affected: yes.